The following is an entry in ClinVar:

NM_001430.5(EPAS1):c.1486C>G (p.Leu496Val)

Gene: EPAS1 (endothelial PAS domain protein 1; plus strand). Cytogenetic location: 2p21.
Variant type: single nucleotide variant.
Coding change: c.1486C>G on transcript NM_001430.5 (MANE Select); coding-DNA position 1486, C replaced by G.
Protein change: p.Leu496Val; replaces leucine 496 with valine.
Molecular consequence: missense variant.
Genome position (GRCh38, 1-based): chr2:46,378,699, C>G. VCF-style: chr2-46378699-C-G. GRCh37 (hg19) VCF-style: chr2-46605838-C-G.
Other names: short protein forms L496V.
Identifiers: ClinVar variation 3221552 (VCV003221552.1), dbSNP rs764964502, ClinGen allele CA346704211.

ClinVar aggregate classification (germline): Uncertain significance (1 of 4 stars; one submission).

Conditions:
Inborn genetic diseases. Identifiers: MedGen C0950123, MeSH D030342.

Submission:

Ambry Genetics
Classification: Uncertain significance for Inborn genetic diseases. Last evaluated: 2024-03-12. Review status: criteria provided, single submitter. Criteria: Ambry Variant Classification Scheme 2023. Collection method: clinical testing. Allele origin: germline.
Comment: The p.L496V variant (also known as c.1486C>G), located in coding exon 11 of the EPAS1 gene, results from a C to G substitution at nucleotide position 1486. The leucine at codon 496 is replaced by valine, an amino acid with highly similar properties. This amino acid position is conserved. In addition, this alteration is predicted to be tolerated by in silico analysis. Based on the available evidence, the clinical significance of this alteration remains unclear.